The following is an entry in ClinVar:

NM_012213.3(MLYCD):c.22_34dup (p.Arg12fs)

Genes: MLYCD (malonyl-CoA decarboxylase; plus strand), LOC130059554 (ATAC-STARR-seq lymphoblastoid silent region 7769; plus strand). Cytogenetic location: 16q23.3.
Variant type: Duplication.
Coding change: c.22_34dup on transcript NM_012213.3 (MANE Select); coding-DNA positions 22 to 34, 13 bases duplicated (TTGACGGCCAGGC).
Protein change: p.Arg12fs; shifts the reading frame from arginine 12.
Molecular consequence: frameshift variant.
Genome position (GRCh38, 1-based): chr16:83,899,166-83,899,178, TTGACGGCCAGGC duplicated; duplicating any 13 consecutive bases within chr16:83,899,158-83,899,178 gives the same sequence; the c. name uses the placement nearest the transcript's 3' end. VCF-style (leftmost placement, unchanged base first): chr16-83899157-G-GGGCCAGGCTTGAC. GRCh37 (hg19) VCF-style: chr16-83932762-G-GGGCCAGGCTTGAC.
Other names: short protein forms R12fs.
Identifiers: ClinVar variation 1400055 (VCV001400055.7), dbSNP rs938617354, ClinGen allele CA624017906.

ClinVar aggregate classification (germline): Pathogenic (1 of 4 stars; one submission).

Conditions:
Deficiency of malonyl-CoA decarboxylase. Also called: Malonic aciduria; MCD deficiency. Identifiers: Orphanet 943, MedGen C0342793, MONDO:0009556, OMIM 248360.

Submission:

Labcorp Genetics (formerly Invitae), Labcorp
Classification: Pathogenic for Deficiency of malonyl-CoA decarboxylase. Last evaluated: 2023-11-05. Review status: criteria provided, single submitter. Criteria: Invitae Variant Classification Sherloc (09022015). Collection method: clinical testing. Allele origin: germline.
Comment: This sequence change creates a premature translational stop signal (p.Arg12Leufs*200) in the MLYCD gene. It is expected to result in an absent or disrupted protein product. Loss-of-function variants in MLYCD are known to be pathogenic (PMID: 12955715, 17186413). This variant is present in population databases (no rsID available, gnomAD 0.01%). This premature translational stop signal has been observed in individual(s) with Malonyl-CoA decarboxylase deficiency (PMID: 31395333). This variant is also known as c.23_24ins13. ClinVar contains an entry for this variant (Variation ID: 1400055). For these reasons, this variant has been classified as Pathogenic.

Literature cited by the submitters: PubMed 12955715; PubMed 17186413; PubMed 31395333.